The following is an entry in ClinVar:

NM_003000.3(SDHB):c.575G>A (p.Cys192Tyr)

Gene: SDHB (succinate dehydrogenase complex iron sulfur subunit B; minus strand). Cytogenetic location: 1p36.13.
Variant type: single nucleotide variant.
Coding change: c.575G>A on transcript NM_003000.3 (MANE Select); coding-DNA position 575, G replaced by A.
Protein change: p.Cys192Tyr; replaces cysteine 192 with tyrosine.
Molecular consequence: missense variant.
Genome position (GRCh38, 1-based): chr1:17,024,040, C>T on the plus strand (G>A on the coding strand, the complement: SDHB is on the minus strand). VCF-style: chr1-17024040-C-T. GRCh37 (hg19) VCF-style: chr1-17350535-C-T.
Other names: short protein forms C192Y.
Identifiers: ClinVar variation 142047 (VCV000142047.13), dbSNP rs397516835, ClinGen allele CA015982.

ClinVar aggregate classification (germline): Pathogenic/Likely pathogenic. Review status: criteria provided, multiple submitters, no conflicts (2 of 4 stars). 5 submissions from 5 submitters: Pathogenic (3); Likely pathogenic (1). 1 of the submissions does not count toward it. Last evaluated 2025-02-28.

Conditions:
Gastrointestinal stromal tumor. Also called: Gastrointestinal stromal tumor, somatic; Gastrointestinal stroma tumor. Identifiers: Orphanet 44890, MedGen C0238198, MeSH D046152, MONDO:0011719, OMIM 606764, HP:0100723.
Pheochromocytoma. Also called: MAX-Related Hereditary Paraganglioma-Pheochromocytoma Syndrome. Identifiers: Orphanet 29072, MedGen C0031511, MONDO:0008233, OMIM 171300, HP:0002666.
Pheochromocytoma/paraganglioma syndrome 4. Also called: Paragangliomas 4; PARAGANGLIOMA, FAMILIAL MALIGNANT; PARAGANGLIOMAS, HEREDITARY EXTRAADRENAL; PHEOCHROMOCYTOMA, FAMILIAL EXTRAADRENAL; SDHB-Related Hereditary Paraganglioma-Pheochromocytoma Syndrome; CAROTID BODY TUMORS AND MULTIPLE EXTRAADRENAL PHEOCHROMOCYTOMAS. Identifiers: Orphanet 29072, MedGen C1861848, MONDO:0007273, OMIM 115310.
Hereditary cancer-predisposing syndrome. Also called: Tumor predisposition; Neoplastic Syndromes, Hereditary; Hereditary Cancer Syndrome; Hereditary neoplastic syndrome. Identifiers: Orphanet 140162, MedGen C0027672, MeSH D009386, MONDO:0015356.
Hereditary pheochromocytoma and paraganglioma. Also called: Hereditary Paraganglioma-Pheochromocytoma Syndromes; Hereditary paragangliomas and pheochromocytomas; Hereditary pheochromocytoma-paraganglioma. Identifiers: Orphanet 29072, MedGen C4274332, MONDO:0017366.

Submissions (5):

Women's Health and Genetics/Laboratory Corporation of America, LabCorp
Classification: Pathogenic for Hereditary pheochromocytoma and paraganglioma. Last evaluated: 2025-02-28. Review status: criteria provided, single submitter. Criteria: LabCorp Variant Classification Summary - May 2015. Collection method: clinical testing. Allele origin: germline.
Comment: Variant summary: SDHB c.575G>A (p.Cys192Tyr) results in a non-conservative amino acid change in the encoded protein sequence. This variant affects a cysteine that has been shown to play a vital role coordinating the iron-sulfur cluster in SDHB protein (Saxena_2016). Five of five in-silico tools predict a damaging effect of the variant on protein function. The variant was absent in 251156 control chromosomes. The available data on variant occurrences in the general population are insufficient to allow any conclusion about variant significance. c.575G>A has been reported in the literature in individuals affected with Hereditary Paraganglioma-Pheochromocytoma Syndrome (example: Benn_2006, Burnichon_2009, Jochmanova_2017, Jochmanova_2020, Ding_2022, Tang_2024, Internal data). The following publications have been ascertained in the context of this evaluation (PMID: 16317055, 19454582, 35546442, 28374168, 32062700, 26719882, 34906457). ClinVar contains an entry for this variant (Variation ID: 142047). Based on the evidence outlined above, the variant was classified as pathogenic.

Myriad Genetics, Inc.
Classification: Likely pathogenic for Pheochromocytoma/paraganglioma syndrome 4. Last evaluated: 2024-11-27. Review status: criteria provided, single submitter. Criteria: Myriad Autosomal Dominant, Autosomal Recessive and X-Linked Classification Criteria (2023). Collection method: clinical testing. Allele origin: unknown.
Comment: This variant is considered likely pathogenic. This variant has been reported in multiple individuals with clinical features of gene-specific disease [PMID: 16317055, 31492822, 28374168]. This variant is expected to disrupt protein structure [Myriad internal data].

Labcorp Genetics (formerly Invitae), Labcorp
Classification: Pathogenic for Gastrointestinal stromal tumor; Pheochromocytoma/paraganglioma syndrome 4; Pheochromocytoma. Last evaluated: 2024-09-24. Review status: criteria provided, single submitter. Criteria: Invitae Variant Classification Sherloc (09022015). Collection method: clinical testing. Allele origin: germline.
Comment: This sequence change replaces cysteine, which is neutral and slightly polar, with tyrosine, which is neutral and polar, at codon 192 of the SDHB protein (p.Cys192Tyr). This variant is not present in population databases (gnomAD no frequency). This missense change has been observed in individuals with SDHB-related conditions (PMID: 16317055, 19454582, 28374168, 34906457; internal data). ClinVar contains an entry for this variant (Variation ID: 142047). Invitae Evidence Modeling of protein sequence and biophysical properties (such as structural, functional, and spatial information, amino acid conservation, physicochemical variation, residue mobility, and thermodynamic stability) indicates that this missense variant is expected to disrupt SDHB protein function with a positive predictive value of 80%. This variant disrupts the p.Cys192 amino acid residue in SDHB. Other variant(s) that disrupt this residue have been determined to be pathogenic (PMID: 12000816, 17200167, 18382370, 22517554, 25371406, 27785149). This suggests that this residue is clinically significant, and that variants that disrupt this residue are likely to be disease-causing. For these reasons, this variant has been classified as Pathogenic.

Ambry Genetics
Classification: Pathogenic for Hereditary cancer-predisposing syndrome. Last evaluated: 2024-05-31. Review status: criteria provided, single submitter. Criteria: Ambry Variant Classification Scheme 2023. Collection method: clinical testing. Allele origin: germline.
Comment: The p.C192Y pathogenic mutation (also known as c.575G>A), located in coding exon 6 of the SDHB gene, results from a G to A substitution at nucleotide position 575. The cysteine at codon 192 is replaced by tyrosine, an amino acid with highly dissimilar properties. This mutation has been reported in multiple individuals diagnosed with paraganglioma-pheochromocytoma (PGL-PCC) syndrome (Benn DE et al. J Clin Endocrinol Metab. 2006 Mar;91(3):827-36; Burnichon N et al. J Clin Endocrinol Metab. 2009 Aug;94(8):2817-27; Jochmanova I et al. J. Cancer Res. Clin. Oncol. 2017 Aug;143:1421-1435). The cysteine at codon 192 has been shown to play a vital role coordinating the iron-sulfur cluster in SDHB protein (Iverson TM et al. J Biol Chem. 2012 Oct 12;287(42):35430-8). In addition, another alteration at codon 192 (p.C192R) has been reported in two individuals, one with a sporadic pheochromocytoma and the other with a paraganglioma (Neumann HP et al. N Engl J Med. 2002 May 9;3466(19):1459-66; Burnichon N et al. J Clin Endocrinol Metab. 2009 Aug;94(8):2817-27). This amino acid position is highly conserved in available vertebrate species. In addition, this alteration is predicted to be deleterious by in silico analysis. This variant is considered to be rare based on population cohorts in the Genome Aggregation Database (gnomAD). Based on the supporting evidence, this variant is interpreted as a disease-causing mutation.

Section on Medical Neuroendocrinolgy, National Institutes of Health
Classification: Likely pathogenic for Hereditary pheochromocytoma and paraganglioma. Review status: no assertion criteria provided. Collection method: research. Allele origin: germline. Affected: yes. Not counted in ClinVar's aggregate classification.

Literature cited by the submitters: PubMed 16317055 (cited by 3 submitters); PubMed 19454582 (cited by Women's Health and Genetics/Laboratory Corporation of America, LabCorp and Labcorp Genetics (formerly Invitae), Labcorp); PubMed 28374168 (cited by 4 submitters); PubMed 34906457 (cited by Women's Health and Genetics/Laboratory Corporation of America, LabCorp and Labcorp Genetics (formerly Invitae), Labcorp); PubMed 35546442 (cited by Women's Health and Genetics/Laboratory Corporation of America, LabCorp); PubMed 32062700 (cited by Women's Health and Genetics/Laboratory Corporation of America, LabCorp); PubMed 26719882 (cited by Women's Health and Genetics/Laboratory Corporation of America, LabCorp); PubMed 31492822 (cited by Myriad Genetics, Inc.); PubMed 12000816 (cited by Labcorp Genetics (formerly Invitae), Labcorp); PubMed 17200167 (cited by Labcorp Genetics (formerly Invitae), Labcorp); PubMed 18382370 (cited by Labcorp Genetics (formerly Invitae), Labcorp); PubMed 22517554 (cited by Labcorp Genetics (formerly Invitae), Labcorp); PubMed 25371406 (cited by Labcorp Genetics (formerly Invitae), Labcorp); PubMed 27785149 (cited by Labcorp Genetics (formerly Invitae), Labcorp); PubMed 23640968 (cited by Ambry Genetics).